The following is an entry in ClinVar:

NM_139318.5(KCNH5):c.2645G>A (p.Arg882Gln)

Gene: KCNH5 (potassium voltage-gated channel subfamily H member 5; minus strand). Cytogenetic location: 14q23.2.
Variant type: single nucleotide variant.
Coding change: c.2645G>A on transcript NM_139318.5 (MANE Select); coding-DNA position 2645, G replaced by A.
Protein change: p.Arg882Gln; replaces arginine 882 with glutamine.
Molecular consequence: missense variant. On other transcripts: 3 prime UTR variant (1).
Genome position (GRCh38, 1-based): chr14:62,707,830, C>T on the plus strand (G>A on the coding strand, the complement: KCNH5 is on the minus strand). VCF-style: chr14-62707830-C-T. GRCh37 (hg19) VCF-style: chr14-63174548-C-T.
Other names: c.2645G>A (NM_139318.3); c.*612G>A (NM_172375.3); short protein forms R882Q.
Identifiers: ClinVar variation 2983570 (VCV002983570.4), dbSNP rs1291184877, ClinGen allele CA390100145.

ClinVar aggregate classification (germline): Uncertain significance. Review status: criteria provided, multiple submitters, no conflicts (2 of 4 stars). 2 submissions from 2 submitters: Uncertain significance (2). Last evaluated 2025-05-07.

Conditions:
Inborn genetic diseases. Identifiers: MedGen C0950123, MeSH D030342.
Early-infantile DEE. Also called: Ohtahara syndrome; Early infantile epileptic encephalopathy; Early infantile epileptic encephalopathy with suppression bursts. Identifiers: Orphanet 1934, MedGen C0393706, MONDO:0800491.

Allele frequency attached by ClinVar (database versions not stated): gnomAD exomes below 0.00001.
gnomAD v4.1: 8 of 1,614,086 alleles (0.0005%); highest among the groups gnomAD compares: Middle Eastern, 0.016%; no homozygotes.

Submissions (2):

Labcorp Genetics (formerly Invitae), Labcorp
Classification: Uncertain significance for Early-infantile DEE. Last evaluated: 2025-05-07. Review status: criteria provided, single submitter. Criteria: Invitae Variant Classification Sherloc (09022015). Collection method: clinical testing. Allele origin: germline.
Comment: This sequence change replaces arginine, which is basic and polar, with glutamine, which is neutral and polar, at codon 882 of the KCNH5 protein (p.Arg882Gln). This variant is present in population databases (no rsID available, gnomAD 0.006%). This variant has not been reported in the literature in individuals affected with KCNH5-related conditions. ClinVar contains an entry for this variant (Variation ID: 2983570). Invitae Evidence Modeling of protein sequence and biophysical properties (such as structural, functional, and spatial information, amino acid conservation, physicochemical variation, residue mobility, and thermodynamic stability) indicates that this missense variant is not expected to disrupt KCNH5 protein function with a negative predictive value of 95%. In summary, the available evidence is currently insufficient to determine the role of this variant in disease. Therefore, it has been classified as a Variant of Uncertain Significance.

Ambry Genetics
Classification: Uncertain significance for Inborn genetic diseases. Last evaluated: 2024-06-26. Review status: criteria provided, single submitter. Criteria: Ambry Variant Classification Scheme 2023. Collection method: clinical testing. Allele origin: germline.